The following is an entry in ClinVar:

NM_000486.6(AQP2):c.325C>A (p.Pro109Thr)

Gene: AQP2 (aquaporin 2; plus strand). Cytogenetic location: 12q13.12.
Variant type: single nucleotide variant.
Coding change: c.325C>A on transcript NM_000486.6 (MANE Select); coding-DNA position 325, C replaced by A.
Protein change: p.Pro109Thr; replaces proline 109 with threonine.
Molecular consequence: missense variant.
Genome position (GRCh38, 1-based): chr12:49,951,155, C>A. VCF-style: chr12-49951155-C-A. GRCh37 (hg19) VCF-style: chr12-50344938-C-A.
Other names: short protein forms P109T.
Identifiers: ClinVar variation 5016889 (VCV005016889.1).

ClinVar aggregate classification (germline): Uncertain significance (1 of 4 stars; one submission).

gnomAD v4.1: 3 of 1,606,778 alleles (0.00019%); highest among the groups gnomAD compares: African/African-American, 0.0027%; no homozygotes.

Submission:

GeneDx
Classification: Uncertain significance. Last evaluated: 2026-04-06. Review status: criteria provided, single submitter. Criteria: GeneDx Variant Classification Process June 2021. Collection method: clinical testing. Allele origin: germline.
Comment: Not observed at significant frequency in large population cohorts (gnomAD); In silico analysis supports that this missense variant has a deleterious effect on protein structure/function; Has not been previously published as pathogenic or benign to our knowledge